The following is an entry in ClinVar:

NM_001136191.3(KANK2):c.406G>A (p.Glu136Lys)

Gene: KANK2 (KN motif and ankyrin repeat domains 2; minus strand). Cytogenetic location: 19p13.2.
Variant type: single nucleotide variant.
Coding change: c.406G>A on transcript NM_001136191.3 (MANE Select); coding-DNA position 406, G replaced by A.
Protein change: p.Glu136Lys; replaces glutamic acid 136 with lysine.
Molecular consequence: missense variant.
Genome position (GRCh38, 1-based): chr19:11,193,674, C>T on the plus strand (G>A on the coding strand, the complement: KANK2 is on the minus strand). VCF-style: chr19-11193674-C-T. GRCh37 (hg19) VCF-style: chr19-11304350-C-T.
Other names: c.406G>A, p.Glu136Lys (NM_001329451.2, NM_001379548.1, NM_001379549.1 and 15 more transcripts); short protein forms E136K.
Identifiers: ClinVar variation 3612064 (VCV003612064.2).

ClinVar aggregate classification (germline): Uncertain significance (1 of 4 stars; one submission).

gnomAD v4.1: 12 of 1,605,442 alleles (0.00075%); highest among the groups gnomAD compares: Non-Finnish European, 0.001%; no homozygotes.

Submission:

Labcorp Genetics (formerly Invitae), Labcorp
Classification: Uncertain significance. Last evaluated: 2025-02-12. Review status: criteria provided, single submitter. Criteria: Invitae Variant Classification Sherloc (09022015). Collection method: clinical testing. Allele origin: germline.
Comment: This sequence change replaces glutamic acid, which is acidic and polar, with lysine, which is basic and polar, at codon 136 of the KANK2 protein (p.Glu136Lys). This variant is present in population databases (rs777891605, gnomAD 0.001%). This variant has not been reported in the literature in individuals affected with KANK2-related conditions. An algorithm developed to predict the effect of missense changes on protein structure and function (PolyPhen-2) suggests that this variant is likely to be disruptive. In summary, the available evidence is currently insufficient to determine the role of this variant in disease. Therefore, it has been classified as a Variant of Uncertain Significance.